The following is an entry in ClinVar:

NM_002047.4(GARS1):c.253A>G (p.Lys85Glu)

Gene: GARS1 (glycyl-tRNA synthetase 1; plus strand). Cytogenetic location: 7p14.3.
Variant type: single nucleotide variant.
Coding change: c.253A>G on transcript NM_002047.4 (MANE Select); coding-DNA position 253, A replaced by G.
Protein change: p.Lys85Glu; replaces lysine 85 with glutamic acid.
Molecular consequence: missense variant.
Genome position (GRCh38, 1-based): chr7:30,598,826, A>G. VCF-style: chr7-30598826-A-G. GRCh37 (hg19) VCF-style: chr7-30638442-A-G.
Other names: c.253A>G (LRG_243t1, NM_002047.3); c.91A>G, p.Lys31Glu (NM_001316772.1); short protein forms K85E, K31E.
Identifiers: ClinVar variation 422016 (VCV000422016.43), dbSNP rs200294578, ClinGen allele CA4205629.

ClinVar aggregate classification (germline): Conflicting classifications of pathogenicity. Review status: criteria provided, conflicting classifications (1 of 4 stars). 14 submissions from 12 submitters: Uncertain significance (1); Benign (3); Likely benign (8). 2 of the submissions do not count toward it. Last evaluated 2026-06-11.

Conditions:
Distal spinal muscular atrophy. Also called: Distal hereditary motor neuronopathy; Distal hereditary motor neuropathy. Identifiers: Orphanet 53739, MedGen C0393541, MONDO:0018894.
GARS1-related disorder. Also called: GARS1-related condition.
Charcot-Marie-Tooth disease type 2. Also called: Charcot-Marie-Tooth type 2. Identifiers: Orphanet 64746, MedGen C0270914, MONDO:0018993.
Neuronopathy, distal hereditary motor, type 5A (HMND5). Also called: NEURONOPATHY, DISTAL HEREDITARY MOTOR, AUTOSOMAL DOMINANT 5; Distal Spinal Muscular Atrophy V; DHMN VA; Distal Spinal Muscular Atrophy V (dSMA-V). Identifiers: Orphanet 139536, MedGen CN031873, MONDO:0015353, OMIM 600794.
Charcot-Marie-Tooth disease type 2D (CMT2D). Also called: CHARCOT-MARIE-TOOTH DISEASE, NEURONAL, TYPE 2D; GARS1 Adolescent- or Early Adult-Onset Hereditary Motor/Sensory Neuropathy (GARS1-HMSN); Charcot-Marie-Tooth Neuropathy Type 2D; CHARCOT-MARIE-TOOTH DISEASE, AXONAL, TYPE 2D. Identifiers: Orphanet 99938, MedGen C1832274, MONDO:0011091, OMIM 601472.

Allele frequency attached by ClinVar (database versions not stated): TOPMed 0.00018; ExAC 0.00024; gnomAD exomes 0.00026 and 0.00038; gnomAD 0.00028 and 0.00029; ESP Exome Variant Server 0.00034.
gnomAD v4.1: 578 of 1,614,068 alleles (0.036%); highest among the groups gnomAD compares: Non-Finnish European, 0.048%; no homozygotes.

Submissions (14):

Women's Health and Genetics/Laboratory Corporation of America, LabCorp
Classification: Likely benign. Last evaluated: 2026-06-11. Review status: criteria provided, single submitter. Criteria: LabCorp Variant Classification Summary - May 2015. Collection method: clinical testing. Allele origin: germline.
Comment: Variant summary: GARS1 c.253A>G (p.Lys85Glu) results in a conservative amino acid change in the encoded protein sequence. Algorithms developed to predict the effect of missense changes on protein structure and function are either unavailable or do not agree on the potential impact of this missense change. The variant allele was found at a frequency of 0.00036 in 1614068 control chromosomes. The observed variant frequency exceeds the estimated maximal expected allele frequency for disease-causing variants in GARS1. c.253A>G has been observed in individual(s) affected with GARS1-related conditions (Volodarsky_2021). These report(s) do not provide unequivocal conclusions about association of the variant with disease. To our knowledge, no experimental evidence demonstrating an impact on protein function has been reported. The following publication has been ascertained in the context of this evaluation (PMID: 32376792). ClinVar contains an entry for this variant (Variation ID: 422016). Based on the evidence outlined above, the variant was classified as likely benign.

Labcorp Genetics (formerly Invitae), Labcorp
Classification: Likely benign for Charcot-Marie-Tooth disease type 2. Last evaluated: 2026-01-06. Review status: criteria provided, single submitter. Criteria: Invitae Variant Classification Sherloc (09022015). Collection method: clinical testing. Allele origin: germline.

PreventionGenetics, part of Exact Sciences
Classification: Likely benign for GARS1-related condition. Last evaluated: 2025-03-24. Review status: criteria provided, single submitter. Criteria: ACMG Guidelines, 2015. Collection method: clinical testing. Allele origin: germline.
Comment: This variant is classified as likely benign based on ACMG/AMP sequence variant interpretation guidelines (Richards et al. 2015 PMID: 25741868, with internal and published modifications).

CeGaT Center for Human Genetics Tuebingen
Classification: Likely benign. Last evaluated: 2024-10-01. Review status: criteria provided, single submitter. Criteria: CeGaT Center For Human Genetics Tuebingen Variant Classification Criteria Version 2. Collection method: clinical testing. Allele origin: germline. Affected: yes. Observed: 1 variant allele.
Comment: GARS1: BS2

Blueprint Genetics
Classification: Likely benign. Last evaluated: 2024-09-14. Review status: criteria provided, single submitter. Criteria: ACMG Guidelines, 2015. Collection method: clinical testing. Allele origin: germline.

Athena Diagnostics
Classification: Benign. Last evaluated: 2024-06-13. Review status: criteria provided, single submitter. Criteria: Athena Diagnostics Criteria. Collection method: clinical testing. Allele origin: unknown.

GeneDx
Classification: Likely benign. Last evaluated: 2020-02-10. Review status: criteria provided, single submitter. Criteria: GeneDx Variant Classification Process June 2021. Collection method: clinical testing. Allele origin: germline. Affected: yes.
Comment: This variant is associated with the following publications: (PMID: 28492532, 28166811)

Ambry Genetics
Classification: Likely benign. Last evaluated: 2019-10-28. Review status: criteria provided, single submitter. Criteria: Ambry Variant Classification Scheme 2023. Collection method: clinical testing. Allele origin: germline.

Mayo Clinic Laboratories, Mayo Clinic
Classification: Uncertain significance. Last evaluated: 2019-08-05. Review status: criteria provided, single submitter. Criteria: ACMG Guidelines, 2015. Collection method: clinical testing. Allele origin: germline. Observed: 2 variant alleles.

Illumina Laboratory Services, Illumina
Classification: Benign for Distal hereditary motor neuronopathy type 5. Last evaluated: 2018-01-12. Review status: criteria provided, single submitter. Criteria: ICSL Variant Classification Criteria 13 December 2019. Collection method: clinical testing. Allele origin: germline.
Comment: This variant was observed in the ICSL laboratory as part of a predisposition screen in an ostensibly healthy population. It had not been previously curated by ICSL or reported in the Human Gene Mutation Database (HGMD: prior to June 1st, 2018), and was therefore a candidate for classification through an automated scoring system. Utilizing variant allele frequency, disease prevalence and penetrance estimates, and inheritance mode, an automated score was calculated to assess if this variant is too frequent to cause the disease. Based on the score and internal cut-off values, a variant classified as benign is not then subjected to further curation. The score for this variant resulted in a classification of benign for this disease.

Illumina Laboratory Services, Illumina
Classification: Benign for Distal Spinal Muscular Atrophy. Last evaluated: 2018-01-12. Review status: criteria provided, single submitter. Criteria: ICSL Variant Classification Criteria 13 December 2019. Collection method: clinical testing. Allele origin: germline.
Comment: the same text as in the submission from Illumina Laboratory Services, Illumina above.

Illumina Laboratory Services, Illumina
Classification: Likely benign for Charcot-Marie-Tooth disease type 2D. Last evaluated: 2018-01-12. Review status: criteria provided, single submitter. Criteria: ICSL Variant Classification Criteria 13 December 2019. Collection method: clinical testing. Allele origin: germline.
Comment: This variant was observed in the ICSL laboratory as part of a predisposition screen in an ostensibly healthy population. It had not been previously curated by ICSL or reported in the Human Gene Mutation Database (HGMD: prior to June 1st, 2018), and was therefore a candidate for classification through an automated scoring system. Utilizing variant allele frequency, disease prevalence and penetrance estimates, and inheritance mode, an automated score was calculated to assess if this variant is too frequent to cause the disease. Based on the score and internal cut-off values, a variant classified as likely benign is not then subjected to further curation. The score for this variant resulted in a classification of likely benign for this disease.

Clinical Genetics DNA and cytogenetics Diagnostics Lab, Erasmus MC, Erasmus Medical Center
Classification: Uncertain significance. Review status: no assertion criteria provided. Collection method: clinical testing. Allele origin: germline. Affected: yes. Study: VKGL Data-share Consensus. Not counted in ClinVar's aggregate classification.

Clinical Genetics, Academic Medical Center
Classification: Uncertain significance. Review status: no assertion criteria provided. Collection method: clinical testing. Allele origin: germline. Affected: yes. Study: VKGL Data-share Consensus. Not counted in ClinVar's aggregate classification.

Literature cited by the submitters: PubMed 32376792 (cited by Women's Health and Genetics/Laboratory Corporation of America, LabCorp).